The following is an entry in ClinVar:

NM_004364.5(CEBPA):c.1044C>G (p.Ser348Arg)

Gene: CEBPA (CCAAT enhancer binding protein alpha; minus strand). Cytogenetic location: 19q13.11.
Variant type: single nucleotide variant.
Coding change: c.1044C>G on transcript NM_004364.5 (MANE Select); coding-DNA position 1044, C replaced by G.
Protein change: p.Ser348Arg; replaces serine 348 with arginine.
Molecular consequence: missense variant.
Genome position (GRCh38, 1-based): chr19:33,301,371, G>C on the plus strand (C>G on the coding strand, the complement: CEBPA is on the minus strand). VCF-style: chr19-33301371-G-C. GRCh37 (hg19) VCF-style: chr19-33792277-G-C.
Other names: c.687C>G, p.Ser229Arg (NM_001285829.2); c.1149C>G, p.Ser383Arg (NM_001287424.2); c.1002C>G, p.Ser334Arg (NM_001287435.2); short protein forms S334R, S383R, S229R, S348R.
Identifiers: ClinVar variation 1957846 (VCV001957846.6), dbSNP rs748977615, ClinGen allele CA9363656.

ClinVar aggregate classification (germline): Uncertain significance. Review status: criteria provided, multiple submitters, no conflicts (2 of 4 stars). 2 submissions from 2 submitters: Uncertain significance (2). Last evaluated 2026-06-24.

Conditions:
Inborn genetic diseases. Identifiers: MedGen C0950123, MeSH D030342.
Acute myeloid leukemia (AML). Also called: Acute myeloid leukemia, adult; AML adult; Acute non-lymphocytic leukemia; Acute granulocytic leukemia; Leukemia, acute myeloid, somatic; Leukemia, acute myelogenous, somatic. Identifiers: Orphanet 519, MedGen C0023467, MeSH D015470, MONDO:0018874, OMIM 601626, HP:0004808. Disease mechanism: Constitutively activated FLT3.

Allele frequency attached by ClinVar (database versions not stated): ExAC 0.00001; gnomAD exomes 0.00001.

Submissions (2):

Ambry Genetics
Classification: Uncertain significance for Inborn genetic diseases. Last evaluated: 2026-06-24. Review status: criteria provided, single submitter. Criteria: Ambry Variant Classification Scheme 2023. Collection method: clinical testing. Allele origin: germline.
Comment: The p.S348R variant (also known as c.1044C>G), located in coding exon 1 of the CEBPA gene, results from a C to G substitution at nucleotide position 1044. The serine at codon 348 is replaced by arginine, an amino acid with dissimilar properties. This amino acid position is conserved. In addition, this alteration is predicted to be tolerated by in silico analysis. Based on the available evidence, the clinical significance of this variant remains unclear.

Labcorp Genetics (formerly Invitae), Labcorp
Classification: Uncertain significance for Acute myeloid leukemia. Last evaluated: 2022-07-05. Review status: criteria provided, single submitter. Criteria: Invitae Variant Classification Sherloc (09022015). Collection method: clinical testing. Allele origin: germline.
Comment: This sequence change replaces serine, which is neutral and polar, with arginine, which is basic and polar, at codon 348 of the CEBPA protein (p.Ser348Arg). In summary, the available evidence is currently insufficient to determine the role of this variant in disease. Therefore, it has been classified as a Variant of Uncertain Significance. Algorithms developed to predict the effect of missense changes on protein structure and function (SIFT, PolyPhen-2, Align-GVGD) all suggest that this variant is likely to be tolerated. This variant has not been reported in the literature in individuals affected with CEBPA-related conditions. The frequency data for this variant in the population databases is considered unreliable, as metrics indicate poor data quality at this position in the gnomAD database.